The following is an entry in ClinVar:

NM_000138.5(FBN1):c.6496G>T (p.Asp2166Tyr)

Gene: FBN1 (fibrillin 1; minus strand). Cytogenetic location: 15q21.1.
Variant type: single nucleotide variant.
Coding change: c.6496G>T on transcript NM_000138.5 (MANE Select); coding-DNA position 6496, G replaced by T.
Protein change: p.Asp2166Tyr; replaces aspartic acid 2166 with tyrosine.
Molecular consequence: missense variant.
Genome position (GRCh38, 1-based): chr15:48,436,961, C>A on the plus strand (G>T on the coding strand, the complement: FBN1 is on the minus strand). VCF-style: chr15-48436961-C-A. GRCh37 (hg19) VCF-style: chr15-48729158-C-A.
Other names: p.D2166Y:GAT>TAT; short protein forms D2166Y.
Identifiers: ClinVar variation 200194 (VCV000200194.2), dbSNP rs794728252, ClinGen allele CA016518.

ClinVar aggregate classification (germline): Likely pathogenic (1 of 4 stars; one submission).

Submission:

GeneDx
Classification: Likely pathogenic. Last evaluated: 2017-08-20. Review status: criteria provided, single submitter. Criteria: GeneDx Variant Classification (06012015). Collection method: clinical testing. Allele origin: germline. Affected: yes.
Comment: The D2166Y variant (c.6496 G>T) in the FBN1 gene has not been reported to our knowledge, but a different missense variant affecting the same amino acid residue, D2166N, has been published in association with Marfan syndrome (Baetens et al., 2011). Additional variants in nearby residues (A2160P, D2168G, E2169G, C2170S, C2170F) have also been reported in HGMD to be associated with Marfan syndrome (Stenson P et al., 2014). D2166Y results in a non-conservative amino acid substitution of Aspartic acid at a position that is conserved across species. In silico analysis predicts D2166Y to be damaging to protein structure/function. In addition, the D2166Y (c.6496 G>T) variant occurs in the terminal (3') codon of exon 53, and in silico splice algorithms suggest that this nucleotide substitution may alter the natural splice donor site. Finally, D2166Y was not observed in approximately 6,500 individuals of European and African American ancestry in the NHLBI Exome Sequencing Project, indicating it is not a common benign variant in these populations. Nevertheless, the majority of pathogenic missense changes in the FBN1 gene associated with Marfan syndrome affect Cysteine residues within a calcium-binding EGF-like domain (Collod-Beroud et al., 2003).Although this variant is a strong candidate for a pathogenic mutation, the clinical significance of this variant is not fully known.